The following is an entry in ClinVar:

ClinVar aggregate classification (germline): Likely benign (0 of 4 stars; one submission).

Conditions:
PPARG-related disorder. Also called: PPARG-related disorders; PPARG-related condition.

gnomAD v4.1: 10 of 1,613,458 alleles (0.00062%); highest among the groups gnomAD compares: Non-Finnish European, 0.00085%; no homozygotes.

Submission:

PreventionGenetics, part of Exact Sciences
Classification: Likely benign for PPARG-related condition. Last evaluated: 2024-03-14. Review status: no assertion criteria provided. Collection method: clinical testing. Allele origin: germline.
Comment: This variant is classified as likely benign based on ACMG/AMP sequence variant interpretation guidelines (Richards et al. 2015 PMID: 25741868, with internal and published modifications).

NM_138711.6(PPARG):c.291T>C (p.His97=)

Gene: PPARG (peroxisome proliferator activated receptor gamma; plus strand). Cytogenetic location: 3p25.2.
Variant type: single nucleotide variant.
Coding change: c.291T>C on transcript NM_138711.6 (MANE Select); coding-DNA position 291, T replaced by C.
Protein change: p.His97=; no amino-acid change (histidine 97 retained).
Molecular consequence: synonymous variant. On other transcripts: 5 prime UTR variant (1).
Genome position (GRCh38, 1-based): chr3:12,381,392, T>C. VCF-style: chr3-12381392-T-C. GRCh37 (hg19) VCF-style: chr3-12422891-T-C.
Other names: c.291T>C, p.His97= (NM_001330615.4, NM_001354666.3, NM_001354667.3 and 6 more transcripts); c.381T>C, p.His127= (NM_001354668.2, NM_001374265.1, NM_015869.5); c.-137T>C (NM_001354669.2); c.297T>C, p.His99= (NM_001354670.2, NM_001374266.1).
Identifiers: ClinVar variation 3348870 (VCV003348870.1).